The following is an entry in ClinVar:

NM_007144.3(PCGF2):c.342C>T (p.Arg114=)

Gene: PCGF2 (polycomb group ring finger 2; minus strand). Cytogenetic location: 17q12.
Variant type: single nucleotide variant.
Coding change: c.342C>T on transcript NM_007144.3 (MANE Select); coding-DNA position 342, C replaced by T.
Protein change: p.Arg114=; no amino-acid change (arginine 114 retained).
Molecular consequence: synonymous variant.
Genome position (GRCh38, 1-based): chr17:38,738,836, G>A on the plus strand (C>T on the coding strand, the complement: PCGF2 is on the minus strand). VCF-style: chr17-38738836-G-A. GRCh37 (hg19) VCF-style: chr17-36895089-G-A.
Other names: c.342C>T, p.Arg114= (NM_001369614.1, NM_001369615.1).
Identifiers: ClinVar variation 2647705 (VCV002647705.27), dbSNP rs144841390, ClinGen allele CA8525022.

ClinVar aggregate classification (germline): Likely benign. Review status: criteria provided, multiple submitters, no conflicts (2 of 4 stars). 2 submissions from 2 submitters: Likely benign (2). Last evaluated 2026-07-01.

Allele frequency attached by ClinVar (database versions not stated): gnomAD 0.00008; TOPMed 0.00009; 1000 Genomes Project 30x 0.00016; 1000 Genomes Project 0.00020; ExAC 0.00007; ESP Exome Variant Server 0.00008.
gnomAD v4.1: 76 of 1,613,862 alleles (0.0047%); highest among the groups gnomAD compares: Middle Eastern, 0.17%; no homozygotes.

Submissions (2):

CeGaT Center for Human Genetics Tuebingen
Classification: Likely benign. Last evaluated: 2026-07-01. Review status: criteria provided, single submitter. Criteria: CeGaT Center For Human Genetics Tuebingen Variant Classification Criteria Version 2. Collection method: clinical testing. Allele origin: germline. Affected: yes. Observed: 3 variant alleles.
Comment: PCGF2: BP4, BP7

Labcorp Genetics (formerly Invitae), Labcorp
Classification: Likely benign. Last evaluated: 2026-01-21. Review status: criteria provided, single submitter. Criteria: Invitae Variant Classification Sherloc (09022015). Collection method: clinical testing. Allele origin: germline.